The following is an entry in ClinVar:

NM_003640.5(ELP1):c.2671T>C (p.Tyr891His)

Gene: ELP1 (elongator acetyltransferase complex subunit 1; minus strand). Cytogenetic location: 9q31.3.
Variant type: single nucleotide variant.
Coding change: c.2671T>C on transcript NM_003640.5 (MANE Select); coding-DNA position 2671, T replaced by C.
Protein change: p.Tyr891His; replaces tyrosine 891 with histidine.
Molecular consequence: missense variant.
Genome position (GRCh38, 1-based): chr9:108,896,561, A>G on the plus strand (T>C on the coding strand, the complement: ELP1 is on the minus strand). VCF-style: chr9-108896561-A-G. GRCh37 (hg19) VCF-style: chr9-111658841-A-G.
Other names: c.2329T>C, p.Tyr777His (NM_001318360.2); c.1624T>C, p.Tyr542His (NM_001330749.2); short protein forms Y891H, Y542H, Y777H.
Identifiers: ClinVar variation 4017659 (VCV004017659.1).

ClinVar aggregate classification (germline): Uncertain significance (1 of 4 stars; one submission).

gnomAD v4.1: 9 of 1,613,806 alleles (0.00056%); highest among the groups gnomAD compares: Non-Finnish European, 0.00076%; no homozygotes.

Submission:

Ambry Genetics
Classification: Uncertain significance. Last evaluated: 2025-04-05. Review status: criteria provided, single submitter. Criteria: Ambry Variant Classification Scheme 2023. Collection method: clinical testing. Allele origin: germline.
Comment: The p.Y891H variant (also known as c.2671T>C), located in coding exon 24 of the IKBKAP gene, results from a T to C substitution at nucleotide position 2671. The tyrosine at codon 891 is replaced by histidine, an amino acid with similar properties. This amino acid position is conserved. In addition, the in silico prediction for this alteration is inconclusive. Based on the available evidence, the clinical significance of this variant remains unclear.